The following is an entry in ClinVar:

ClinVar aggregate classification (germline): Uncertain significance (1 of 4 stars; one submission).

Conditions:
Supravalvar aortic stenosis (SVAS). Also called: Supravalvar aortic stenosis, Eisenberg type. Identifiers: Orphanet 3193, MedGen C0003499, MONDO:0008504, OMIM 185500, HP:0004381.

Submission:

Labcorp Genetics (formerly Invitae), Labcorp
Classification: Uncertain significance for Supravalvar aortic stenosis. Last evaluated: 2022-12-04. Review status: criteria provided, single submitter. Criteria: Invitae Variant Classification Sherloc (09022015). Collection method: clinical testing. Allele origin: germline.
Comment: This sequence change replaces threonine, which is neutral and polar, with arginine, which is basic and polar, at codon 5 of the ELN protein (p.Thr5Arg). This variant is not present in population databases (gnomAD no frequency). This variant has not been reported in the literature in individuals affected with ELN-related conditions. Advanced modeling of protein sequence and biophysical properties (such as structural, functional, and spatial information, amino acid conservation, physicochemical variation, residue mobility, and thermodynamic stability) performed at Invitae indicates that this missense variant is not expected to disrupt ELN protein function. In summary, the available evidence is currently insufficient to determine the role of this variant in disease. Therefore, it has been classified as a Variant of Uncertain Significance.

NM_000501.4(ELN):c.14C>G (p.Thr5Arg)

Gene: ELN (elastin; plus strand). Cytogenetic location: 7q11.23.
Variant type: single nucleotide variant.
Coding change: c.14C>G on transcript NM_000501.4 (MANE Select); coding-DNA position 14, C replaced by G.
Protein change: p.Thr5Arg; replaces threonine 5 with arginine.
Molecular consequence: missense variant.
Genome position (GRCh38, 1-based): chr7:74,028,201, C>G. VCF-style: chr7-74028201-C-G. GRCh37 (hg19) VCF-style: chr7-73442531-C-G.
Other names: c.14C>G, p.Thr5Arg (NM_001081752.3, NM_001081754.3, NM_001081753.3 and 9 more transcripts); short protein forms T5R.
Identifiers: ClinVar variation 2818445 (VCV002818445.3), dbSNP rs781784045, ClinGen allele CA367868646.
Genomic context (GRCh38, chr7:74,028,201, plus strand): 5'-GGGATAAAACGAGGTGCGGAGAGCGGGCTGGGGCATTTCTCCCCGAGATGGCGGGTCTGA[C>G]GGCGGCGGCCCCGCGGCCCGGAGTCCTCCTGCTCCTGCTGTCCATCCTCCACCCCTCTCG-3'
Protein context (NP_000492.2, residues 1-15): MAGL[Thr5Arg]AAAPRPGVLL